The following is an entry in ClinVar:

NM_018263.6(ASXL2):c.3597C>T (p.Pro1199=)

Gene: ASXL2 (ASXL transcriptional regulator 2; minus strand). Cytogenetic location: 2p23.3.
Variant type: single nucleotide variant.
Coding change: c.3597C>T on transcript NM_018263.6 (MANE Select); coding-DNA position 3597, C replaced by T.
Protein change: p.Pro1199=; no amino-acid change (proline 1199 retained).
Molecular consequence: synonymous variant.
Genome position (GRCh38, 1-based): chr2:25,742,740, G>A on the plus strand (C>T on the coding strand, the complement: ASXL2 is on the minus strand). VCF-style: chr2-25742740-G-A. GRCh37 (hg19) VCF-style: chr2-25965609-G-A.
Other names: c.3597C>T (NM_018263.4); c.3423C>T, p.Pro1141= (NM_001369346.1); c.2817C>T, p.Pro939= (NM_001369347.1).
Identifiers: ClinVar variation 1455264 (VCV001455264.10), dbSNP rs376795439, ClinGen allele CA1557451.

ClinVar aggregate classification (germline): Likely benign. Review status: criteria provided, single submitter (1 of 4 stars). 2 submissions from 2 submitters: Likely benign (1). 1 of the submissions does not count toward it. Last evaluated 2025-09-02.

Conditions:
ASXL2-related disorder. Also called: ASXL2-related condition.

Allele frequency attached by ClinVar (database versions not stated): gnomAD exomes 0.00002 and 0.00004; ExAC 0.00006; gnomAD 0.00014 and 0.00016; 1000 Genomes Project 30x 0.00016; TOPMed 0.00016; 1000 Genomes Project 0.00020; ESP Exome Variant Server 0.00041.
gnomAD v4.1: 46 of 1,613,904 alleles (0.0029%); highest among the groups gnomAD compares: African/African-American, 0.056%; no homozygotes.

Submissions (2):

Labcorp Genetics (formerly Invitae), Labcorp
Classification: Likely benign. Last evaluated: 2025-09-02. Review status: criteria provided, single submitter. Criteria: Invitae Variant Classification Sherloc (09022015). Collection method: clinical testing. Allele origin: germline.

PreventionGenetics, part of Exact Sciences
Classification: Likely benign for ASXL2-related condition. Last evaluated: 2021-09-10. Review status: no assertion criteria provided. Collection method: clinical testing. Allele origin: germline. Not counted in ClinVar's aggregate classification.
Comment: This variant is classified as likely benign based on ACMG/AMP sequence variant interpretation guidelines (Richards et al. 2015 PMID: 25741868, with internal and published modifications).